The following is an entry in ClinVar:

ClinVar aggregate classification (germline): Uncertain significance (1 of 4 stars; one submission).

Conditions:
Inborn genetic diseases. Identifiers: MedGen C0950123, MeSH D030342.

Submission:

Ambry Genetics
Classification: Uncertain significance for Inborn genetic diseases. Last evaluated: 2025-12-27. Review status: criteria provided, single submitter. Criteria: Ambry Variant Classification Scheme 2023. Collection method: clinical testing. Allele origin: germline.
Comment: The p.P802A variant (also known as c.2404C>G), located in coding exon 19 of the BUB1B gene, results from a C to G substitution at nucleotide position 2404. The proline at codon 802 is replaced by alanine, an amino acid with highly similar properties. This amino acid position is conserved. In addition, this alteration is predicted to be tolerated by in silico analysis. Based on the available evidence, the clinical significance of this variant remains unclear.

NM_001211.6(BUB1B):c.2404C>G (p.Pro802Ala)

Gene: BUB1B (BUB1 mitotic checkpoint serine/threonine kinase B; plus strand). Cytogenetic location: 15q15.1.
Variant type: single nucleotide variant.
Coding change: c.2404C>G on transcript NM_001211.6 (MANE Select); coding-DNA position 2404, C replaced by G.
Protein change: p.Pro802Ala; replaces proline 802 with alanine.
Molecular consequence: missense variant.
Genome position (GRCh38, 1-based): chr15:40,212,517, C>G. VCF-style: chr15-40212517-C-G. GRCh37 (hg19) VCF-style: chr15-40504718-C-G.
Other names: short protein forms P802A.
Identifiers: ClinVar variation 4842703 (VCV004842703.1).